The following is an entry in ClinVar:

NM_025132.4(WDR19):c.3152A>G (p.Asp1051Gly)

Gene: WDR19 (WD repeat domain 19; plus strand). Cytogenetic location: 4p14.
Variant type: single nucleotide variant.
Coding change: c.3152A>G on transcript NM_025132.4 (MANE Select); coding-DNA position 3152, A replaced by G.
Protein change: p.Asp1051Gly; replaces aspartic acid 1051 with glycine.
Molecular consequence: missense variant.
Genome position (GRCh38, 1-based): chr4:39,257,523, A>G. VCF-style: chr4-39257523-A-G. GRCh37 (hg19) VCF-style: chr4-39259143-A-G.
Other names: c.2672A>G, p.Asp891Gly (NM_001317924.2); short protein forms D891G, D1051G.
Identifiers: ClinVar variation 4792871 (VCV004792871.1).

ClinVar aggregate classification (germline): Uncertain significance (1 of 4 stars; one submission).

Conditions:
Senior-Loken syndrome 8 (SLSN8). Identifiers: Orphanet 3156, MedGen C4225376, MONDO:0014579, OMIM 616307.
Asphyxiating thoracic dystrophy 5 (SRTD5). Also called: SHORT-RIB THORACIC DYSPLASIA 5 WITH OR WITHOUT POLYDACTYLY; SHORT-RIB THORACIC DYSPLASIA 5 WITHOUT POLYDACTYLY. Identifiers: Orphanet 474, MedGen C3280598, MONDO:0013717, OMIM 614376.

Submission:

Labcorp Genetics (formerly Invitae), Labcorp
Classification: Uncertain significance for Senior-Loken syndrome 8; Asphyxiating thoracic dystrophy 5. Last evaluated: 2025-04-04. Review status: criteria provided, single submitter. Criteria: Invitae Variant Classification Sherloc (09022015). Collection method: clinical testing. Allele origin: germline.
Comment: This sequence change replaces aspartic acid, which is acidic and polar, with glycine, which is neutral and non-polar, at codon 1051 of the WDR19 protein (p.Asp1051Gly). This variant is not present in population databases (gnomAD no frequency). This variant has not been reported in the literature in individuals affected with WDR19-related conditions. Invitae Evidence Modeling of protein sequence and biophysical properties (such as structural, functional, and spatial information, amino acid conservation, physicochemical variation, residue mobility, and thermodynamic stability) indicates that this missense variant is not expected to disrupt WDR19 protein function with a negative predictive value of 80%. In summary, the available evidence is currently insufficient to determine the role of this variant in disease. Therefore, it has been classified as a Variant of Uncertain Significance.